The following is an entry in ClinVar:

NM_002878.4(RAD51D):c.858A>T (p.Ala286=)

Genes: RAD51D (RAD51 paralog D; minus strand), RAD51L3-RFFL (RAD51L3-RFFL readthrough; minus strand). Cytogenetic location: 17q12.
Variant type: single nucleotide variant.
Coding change: c.858A>T on transcript NM_002878.4 (MANE Select); coding-DNA position 858, A replaced by T.
Protein change: p.Ala286=; no amino-acid change (alanine 286 retained).
Molecular consequence: synonymous variant. On other transcripts: non-coding transcript variant (3).
Genome position (GRCh38, 1-based): chr17:35,101,246, T>A on the plus strand (A>T on the coding strand, the complement: RAD51D is on the minus strand). VCF-style: chr17-35101246-T-A. GRCh37 (hg19) VCF-style: chr17-33428265-T-A.
Other names: c.918A>T, p.Ala306= (NM_001142571.2); c.522A>T, p.Ala174= (NM_133629.3).
Identifiers: ClinVar variation 3904443 (VCV003904443.1).
Genomic context (GRCh38, chr17:35,101,246, plus strand): 5'-CTGGGGCTGGCTCACCTGTCGGGAAGATTTGGCCAGACACGCCATGCGCCGGCCGCCTGA[T>A]GCTCCTGCTCCCTCGATGGTGTCCAGGAGAATCCGAGTGCTGGGCACAAAGCTCCAGGAG-3'
Protein context (NP_002869.3, residues 276-296): ILLDTIEGAG[Ala286=]SGGRRMACLA

ClinVar aggregate classification (germline): Benign (1 of 4 stars; one submission).

Conditions:
Breast-ovarian cancer, familial, susceptibility to, 4. Identifiers: Orphanet 145, MedGen C3280345, MONDO:0013669, OMIM 614291.

Submission:

Myriad Genetics, Inc.
Classification: Benign for Breast-ovarian cancer, familial, susceptibility to, 4. Last evaluated: 2025-02-25. Review status: criteria provided, single submitter. Criteria: Myriad Autosomal Dominant, Autosomal Recessive and X-Linked Classification Criteria (2023). Collection method: clinical testing. Allele origin: unknown.
Comment: This variant is considered benign. This variant is a silent/synonymous amino acid change and it is not expected to impact splicing.